The following is an entry in ClinVar:

ClinVar aggregate classification (germline): Uncertain significance. Review status: criteria provided, multiple submitters, no conflicts (2 of 4 stars). 2 submissions from 2 submitters: Uncertain significance (2). Last evaluated 2023-09-28.

Conditions:
Hereditary cancer-predisposing syndrome. Also called: Neoplastic Syndromes, Hereditary; Tumor predisposition; Hereditary neoplastic syndrome; Hereditary Cancer Syndrome. Identifiers: Orphanet 140162, MedGen C0027672, MeSH D009386, MONDO:0015356.

gnomAD v4.1: 1 of 1,614,102 alleles (0.000062%); highest among the groups gnomAD compares: East Asian, 0.0022%; no homozygotes.

Submissions (2):

GeneDx
Classification: Uncertain significance. Last evaluated: 2023-09-28. Review status: criteria provided, single submitter. Criteria: GeneDx Variant Classification Process June 2021. Collection method: clinical testing. Allele origin: germline. Affected: yes.
Comment: Observed in controls in several studies but has not been reported in any cancer cases (Momozawa et al., 2018; Okawa et al., 2023); Not observed at significant frequency in large population cohorts (gnomAD); In silico analysis supports that this missense variant has a deleterious effect on protein structure/function; Also known as 2473A>C; This variant is associated with the following publications: (PMID: 36243179, 30287823)

Ambry Genetics
Classification: Uncertain significance for Hereditary cancer-predisposing syndrome. Last evaluated: 2023-01-17. Review status: criteria provided, single submitter. Criteria: Ambry Variant Classification Scheme 2023. Collection method: clinical testing. Allele origin: germline.
Comment: The p.S749R variant (also known as c.2245A>C), located in coding exon 10 of the BRCA2 gene, results from an A to C substitution at nucleotide position 2245. The serine at codon 749 is replaced by arginine, an amino acid with dissimilar properties. This alteration was not observed in 7,051 unselected female breast cancer patients and was observed with an allele frequency of 0.00018 in 11,241 female controls of Japanese ancestry (Momozawa Y et al. Nat Commun, 2018 Oct;9:4083). This amino acid position is not well conserved in available vertebrate species. In addition, this alteration is predicted to be tolerated by in silico analysis. Since supporting evidence is limited at this time, the clinical significance of this alteration remains unclear.

Literature cited by the submitters: PubMed 30287823 (cited by Ambry Genetics).

NM_000059.4(BRCA2):c.2245A>C (p.Ser749Arg)

Gene: BRCA2 (BRCA2 DNA repair associated; plus strand). Cytogenetic location: 13q13.1.
Variant type: single nucleotide variant.
Coding change: c.2245A>C on transcript NM_000059.4 (MANE Select); coding-DNA position 2245, A replaced by C.
Protein change: p.Ser749Arg; replaces serine 749 with arginine.
Molecular consequence: missense variant. On other transcripts: non-coding transcript variant (1), intron variant (2).
Genome position (GRCh38, 1-based): chr13:32,336,600, A>C. VCF-style: chr13-32336600-A-C. GRCh37 (hg19) VCF-style: chr13-32910737-A-C.
Other names: c.2245A>C, p.Ser749Arg (NM_001406719.1, NM_001406720.1); c.1909+3213A>C (NM_001406721.1); c.424+5570A>C (NM_001406722.1); short protein forms S749R.
Identifiers: ClinVar variation 2451529 (VCV002451529.3), dbSNP rs80358495, ClinGen allele CA387770862.